The following is an entry in ClinVar:

ClinVar aggregate classification (germline): Uncertain significance. Review status: criteria provided, multiple submitters, no conflicts (2 of 4 stars). 2 submissions from 2 submitters: Uncertain significance (2). Last evaluated 2023-07-10.

Conditions:
Autosomal dominant hypocalcemia 1 (HYPOC1). Also called: HYPOCALCEMIA, FAMILIAL. Identifiers: MedGen C3715128, MONDO:0011013, OMIM 601198.
Familial hypocalciuric hypercalcemia (FHH). Also called: Familial benign hypercalcemia. Identifiers: Orphanet 405, MedGen C1809471, MONDO:0018458.
Nephrolithiasis/nephrocalcinosis. Identifiers: MedGen CN580796.

Allele frequency attached by ClinVar (database versions not stated): gnomAD 0.00001; gnomAD exomes 0.00001; ExAC 0.00002; TOPMed 0.00002; 1000 Genomes Project 30x 0.00016; 1000 Genomes Project 0.00020.
gnomAD v4.1: 9 of 1,613,856 alleles (0.00056%); highest among the groups gnomAD compares: South Asian, 0.0011%; no homozygotes.

Submissions (2):

Labcorp Genetics (formerly Invitae), Labcorp
Classification: Uncertain significance for Familial hypocalciuric hypercalcemia; Autosomal dominant hypocalcemia 1. Last evaluated: 2023-07-10. Review status: criteria provided, single submitter. Criteria: Invitae Variant Classification Sherloc (09022015). Collection method: clinical testing. Allele origin: germline.
Comment: In summary, the available evidence is currently insufficient to determine the role of this variant in disease. Therefore, it has been classified as a Variant of Uncertain Significance. An algorithm developed to predict the effect of missense changes on protein structure and function (PolyPhen-2) suggests that this variant is likely to be disruptive. ClinVar contains an entry for this variant (Variation ID: 410321). This variant has not been reported in the literature in individuals affected with CASR-related conditions. This variant is present in population databases (rs562364178, gnomAD 0.003%). This sequence change replaces alanine, which is neutral and non-polar, with threonine, which is neutral and polar, at codon 746 of the CASR protein (p.Ala746Thr).

Ambry Genetics
Classification: Uncertain significance for Nephrolithiasis/nephrocalcinosis. Last evaluated: 2020-03-23. Review status: criteria provided, single submitter. Criteria: Ambry Variant Classification Scheme 2023. Collection method: clinical testing. Allele origin: germline.
Comment: The p.A746T variant (also known as c.2236G>A), located in coding exon 6 of the CASR gene, results from a G to A substitution at nucleotide position 2236. The alanine at codon 746 is replaced by threonine, an amino acid with similar properties. An alternate amino acid substitution at this codon, p.A746V, was described in a familial hypercalciuric hypercalcemia cohort; however, clinical details were limited (Vargas-Poussou R et al. J. Clin. Endocrinol. Metab., 2016 05;101:2185-95). This amino acid position is highly conserved in available vertebrate species. In addition, the in silico prediction for this alteration is inconclusive. Since supporting evidence is limited at this time, the clinical significance of this alteration remains unclear.

NM_000388.4(CASR):c.2236G>A (p.Ala746Thr)

Gene: CASR (calcium sensing receptor; plus strand). Cytogenetic location: 3q21.1.
Variant type: single nucleotide variant.
Coding change: c.2236G>A on transcript NM_000388.4 (MANE Select); coding-DNA position 2236, G replaced by A.
Protein change: p.Ala746Thr; replaces alanine 746 with threonine.
Molecular consequence: missense variant.
Genome position (GRCh38, 1-based): chr3:122,284,190, G>A. VCF-style: chr3-122284190-G-A. GRCh37 (hg19) VCF-style: chr3-122003037-G-A.
Other names: c.2266G>A, p.Ala756Thr (NM_001178065.2); short protein forms A746T, A756T.
Identifiers: ClinVar variation 410321 (VCV000410321.11), dbSNP rs562364178, ClinGen allele CA2569799.